The following is an entry in ClinVar:

ClinVar aggregate classification (germline): Uncertain significance (1 of 4 stars; one submission).

Conditions:
Hereditary cancer-predisposing syndrome. Also called: Neoplastic Syndromes, Hereditary; Tumor predisposition; Hereditary neoplastic syndrome; Hereditary Cancer Syndrome. Identifiers: Orphanet 140162, MedGen C0027672, MeSH D009386, MONDO:0015356.

Submission:

Ambry Genetics
Classification: Uncertain significance for Hereditary cancer-predisposing syndrome. Last evaluated: 2025-08-15. Review status: criteria provided, single submitter. Criteria: Ambry Variant Classification Scheme 2023. Collection method: clinical testing. Allele origin: germline.
Comment: The p.M2158V variant (also known as c.6472A>G), located in coding exon 44 of the ATM gene, results from an A to G substitution at nucleotide position 6472. The methionine at codon 2158 is replaced by valine, an amino acid with highly similar properties. This amino acid position is conserved. In addition, this alteration is predicted to be tolerated by in silico analysis. Based on the available evidence, the clinical significance of this variant remains unclear.

NM_000051.4(ATM):c.6472A>G (p.Met2158Val)

Genes: ATM (ATM serine/threonine kinase; plus strand), C11orf65 (chromosome 11 open reading frame 65; minus strand). Cytogenetic location: 11q22.3.
Variant type: single nucleotide variant.
Coding change: c.6472A>G on transcript NM_000051.4 (MANE Select); coding-DNA position 6472, A replaced by G.
Protein change: p.Met2158Val; replaces methionine 2158 with valine.
Molecular consequence: missense variant. On other transcripts: intron variant (2).
Genome position (GRCh38, 1-based): chr11:108,321,320, A>G. VCF-style: chr11-108321320-A-G. GRCh37 (hg19) VCF-style: chr11-108192047-A-G.
Other names: c.641-12249T>C (NM_001330368.2); c.*39-12249T>C (NM_001351110.2); c.6472A>G, p.Met2158Val (NM_001351834.2); short protein forms M2158V.
Identifiers: ClinVar variation 4170044 (VCV004170044.1).
Genomic context (GRCh38, chr11:108,321,320, plus strand): 5'-TCTTCTTTATTTTCAGAGTGTCTTTTCTTTTTTGCTACTAGAGTAAAAGAAGTGGAAGAG[A>G]TGTGTAAGCGCAGCCTTGAGTCTGTGTATTCGCTCTATCCCACACTTAGCAGGTTGCAGG-3'
Protein context (NP_000042.3, residues 2148-2168): KYARVKEVEE[Met2158Val]CKRSLESVYS